The following is an entry in ClinVar:

ClinVar aggregate classification (germline): Uncertain significance (1 of 4 stars; one submission).

Submission:

GeneDx
Classification: Uncertain significance. Last evaluated: 2024-06-16. Review status: criteria provided, single submitter. Criteria: GeneDx Variant Classification Process June 2021. Collection method: clinical testing. Allele origin: germline. Affected: yes.
Comment: Not observed at significant frequency in large population cohorts (gnomAD); In silico analysis supports that this missense variant has a deleterious effect on protein structure/function; Has not been previously published as pathogenic or benign to our knowledge; Variants in candidate genes are classified as variants of uncertain significance in accordance with ACMG guidelines (PMID: 25741868)

NM_000808.4(GABRA3):c.923C>G (p.Thr308Arg)

Gene: GABRA3 (gamma-aminobutyric acid type A receptor subunit alpha3; minus strand). Cytogenetic location: Xq28.
Variant type: single nucleotide variant.
Coding change: c.923C>G on transcript NM_000808.4 (MANE Select); coding-DNA position 923, C replaced by G.
Protein change: p.Thr308Arg; replaces threonine 308 with arginine.
Molecular consequence: missense variant.
Genome position (GRCh38, 1-based): chrX:152,197,641, G>C on the plus strand (C>G on the coding strand, the complement: GABRA3 is on the minus strand). VCF-style: chrX-152197641-G-C. GRCh37 (hg19) VCF-style: chrX-151366113-G-C.
Other names: short protein forms T308R.
Identifiers: ClinVar variation 4532378 (VCV004532378.1).